The following is an entry in ClinVar:

NC_012920.1(MT-CO1):m.6714A>G

Gene: MT-CO1 (mitochondrially encoded cytochrome c oxidase I; plus strand).
Variant type: single nucleotide variant.
Genome position: chrM-6714-A-G.
Identifiers: ClinVar variation 692668 (VCV000692668.1), dbSNP rs1603220588, ClinGen allele CA414785822.

ClinVar aggregate classification (germline): Uncertain significance (1 of 4 stars; one submission).

Conditions:
Leigh syndrome (NULS). Also called: Leigh's necrotizing encephalopathy; Leigh's disease; Leigh Syndrome (mtDNA deletion); Leigh Disease; Subacute necrotizing encephalopathy; Necrotizing encephalopathy infantile subacute of Leigh. Identifiers: Orphanet 506, MedGen C2931891, MONDO:0009723, OMIM 256000.

Submission:

Wong Mito Lab, Molecular and Human Genetics, Baylor College of Medicine
Classification: Uncertain significance for Leigh syndrome. Last evaluated: 2019-10-17. Review status: criteria provided, single submitter. Criteria: Modified ACMG Guidelines (Unpublished). Collection method: clinical testing. Allele origin: germline.
Comment: The NC_012920.1:m.6714A>G (YP_003024028.1:p.Met271Val) variant in MTCO1 gene is interpretated to be a Uncertain Significance variant based on the modified ACMG guidelines (unpublished). This variant meets the following evidence codes: PM10, PP7